The following is an entry in ClinVar:

NM_018699.4(PRDM5):c.1003C>G (p.Leu335Val)

Gene: PRDM5 (PR/SET domain 5; minus strand). Cytogenetic location: 4q27.
Variant type: single nucleotide variant.
Coding change: c.1003C>G on transcript NM_018699.4 (MANE Select); coding-DNA position 1003, C replaced by G.
Protein change: p.Leu335Val; replaces leucine 335 with valine.
Molecular consequence: missense variant.
Genome position (GRCh38, 1-based): chr4:120,799,688, G>C on the plus strand (C>G on the coding strand, the complement: PRDM5 is on the minus strand). VCF-style: chr4-120799688-G-C. GRCh37 (hg19) VCF-style: chr4-121720843-G-C.
Other names: c.910C>G, p.Leu304Val (NM_001300823.2, NM_001300824.2, NM_001379106.1); c.1003C>G, p.Leu335Val (NM_001379104.1); short protein forms L335V, L304V.
Identifiers: ClinVar variation 1774773 (VCV001774773.2), dbSNP rs1177191577, ClinGen allele CA358210441.

ClinVar aggregate classification (germline): Uncertain significance (1 of 4 stars; one submission).

Conditions:
Cardiovascular phenotype. Identifiers: MedGen CN230736.

Allele frequency attached by ClinVar (database versions not stated): TOPMed below 0.00001; gnomAD 0.00001.
gnomAD v4.1: 1 of 1,612,686 alleles (0.000062%); highest among the groups gnomAD compares: Non-Finnish European, 0.000085%; no homozygotes.

Submission:

Ambry Genetics
Classification: Uncertain significance for Cardiovascular phenotype. Last evaluated: 2019-10-08. Review status: criteria provided, single submitter. Criteria: Ambry Variant Classification Scheme 2023. Collection method: clinical testing. Allele origin: germline.
Comment: The p.L335V variant (also known as c.1003C>G), located in coding exon 9 of the PRDM5 gene, results from a C to G substitution at nucleotide position 1003. The leucine at codon 335 is replaced by valine, an amino acid with highly similar properties. This amino acid position is highly conserved in available vertebrate species. In addition, the in silico prediction for this alteration is inconclusive. Since supporting evidence is limited at this time, the clinical significance of this alteration remains unclear.